The following is an entry in ClinVar:

ClinVar aggregate classification (germline): Uncertain significance. Review status: criteria provided, multiple submitters, no conflicts (2 of 4 stars). 2 submissions from 2 submitters: Uncertain significance (2). Last evaluated 2025-02-17.

Conditions:
Familial thoracic aortic aneurysm and aortic dissection (TAAD). Also called: Thoracic aortic aneurysms and dissections. Identifiers: Orphanet 91387, MedGen C4707243, MONDO:0019625.
Aortic aneurysm, familial thoracic 6 (AAT6). Also called: FAMILIAL THORACIC AORTIC ANEURYSM WITH LIVEDO RETICULARIS AND IRIS FLOCCULI. Identifiers: MedGen C2673186, MONDO:0012730, OMIM 611788.

Submissions (2):

Labcorp Genetics (formerly Invitae), Labcorp
Classification: Uncertain significance for Aortic aneurysm, familial thoracic 6. Last evaluated: 2025-02-17. Review status: criteria provided, single submitter. Criteria: Invitae Variant Classification Sherloc (09022015). Collection method: clinical testing. Allele origin: germline.
Comment: This sequence change replaces glycine, which is neutral and non-polar, with valine, which is neutral and non-polar, at codon 270 of the ACTA2 protein (p.Gly270Val). This variant is not present in population databases (gnomAD no frequency). This variant has not been reported in the literature in individuals affected with ACTA2-related conditions. ClinVar contains an entry for this variant (Variation ID: 1761983). An algorithm developed to predict the effect of missense changes on protein structure and function (PolyPhen-2) suggests that this variant is likely to be disruptive. This variant disrupts the p.Gly270 amino acid residue in ACTA2. Other variant(s) that disrupt this residue have been determined to be pathogenic (PMID: 23099432; internal data). This suggests that this residue is clinically significant, and that variants that disrupt this residue are likely to be disease-causing. In summary, the available evidence is currently insufficient to determine the role of this variant in disease. Therefore, it has been classified as a Variant of Uncertain Significance.

Ambry Genetics
Classification: Uncertain significance for Familial thoracic aortic aneurysm and aortic dissection. Last evaluated: 2020-01-21. Review status: criteria provided, single submitter. Criteria: Ambry Variant Classification Scheme 2023. Collection method: clinical testing. Allele origin: germline.
Comment: The p.G270V variant (also known as c.809G>T) is located in coding exon 7 of the ACTA2 gene. The glycine at codon 270 is replaced by valine, an amino acid with dissimilar properties. This change occurs in the first base pair of coding exon 7. This amino acid position is highly conserved in available vertebrate species. In addition, this alteration is predicted to be deleterious by in silico analysis. Since supporting evidence is limited at this time, the clinical significance of this alteration remains unclear.

Literature cited by the submitters: PubMed 23099432 (cited by Labcorp Genetics (formerly Invitae), Labcorp).

NM_001613.4(ACTA2):c.809G>T (p.Gly270Val)

Genes: ACTA2 (actin alpha 2, smooth muscle; minus strand), ACTA2-AS1 (ACTA2 antisense RNA 1; plus strand). Cytogenetic location: 10q23.31.
Variant type: single nucleotide variant.
Coding change: c.809G>T on transcript NM_001613.4 (MANE Select); coding-DNA position 809, G replaced by T.
Protein change: p.Gly270Val; replaces glycine 270 with valine.
Molecular consequence: missense variant. On other transcripts: non-coding transcript variant (1).
Genome position (GRCh38, 1-based): chr10:88,938,242, C>A on the plus strand (G>T on the coding strand, the complement: ACTA2 is on the minus strand). VCF-style: chr10-88938242-C-A. GRCh37 (hg19) VCF-style: chr10-90697999-C-A.
Other names: c.809G>T, p.Gly270Val (NM_001141945.3, NM_001320855.2, NM_001406462.1 and 2 more transcripts); c.698G>T, p.Gly233Val (NM_001406466.1); c.680G>T, p.Gly227Val (NM_001406467.1, NM_001406468.1, NM_001406469.1); c.617G>T, p.Gly206Val (NM_001406471.1); short protein forms G206V, G233V, G227V, G270V.
Identifiers: ClinVar variation 1761983 (VCV001761983.3), dbSNP rs794728029, ClinGen allele CA377511050.